The following is an entry in ClinVar:

NM_152564.5(VPS13B):c.3727A>G (p.Arg1243Gly)

Gene: VPS13B (vacuolar protein sorting 13 homolog B; plus strand). Cytogenetic location: 8q22.2.
Variant type: single nucleotide variant.
Coding change: c.3727A>G on transcript NM_152564.5 (MANE Select); coding-DNA position 3727, A replaced by G.
Protein change: p.Arg1243Gly; replaces arginine 1243 with glycine.
Molecular consequence: missense variant.
Genome position (GRCh38, 1-based): chr8:99,481,659, A>G. VCF-style: chr8-99481659-A-G. GRCh37 (hg19) VCF-style: chr8-100493887-A-G.
Other names: c.3727A>G, p.Arg1243Gly (NM_017890.5); short protein forms R1243G.
Identifiers: ClinVar variation 2634575 (VCV002634575.1), dbSNP rs770788256, ClinGen allele CA4823323.
Genomic context (GRCh38, chr8:99,481,659, plus strand): 5'-GTCCAGCTCTTCTATGAACTAACTGATATCATGAATAAGGTCTGGAACAAGATTCAGAAG[A>G]GAGGCAATCTCAACCTATCTCCAACCTCTCCAGAGACCATGGCAGGGCCTGTTCCTACTT-3'
Protein context (NP_689777.3, residues 1233-1253): MNKVWNKIQK[Arg1243Gly]GNLNLSPTSP

ClinVar aggregate classification (germline): Uncertain significance (1 of 4 stars; one submission).

Conditions:
VPS13B-related disorder. Also called: VPS13B-related condition.

Allele frequency attached by ClinVar (database versions not stated): gnomAD exomes below 0.00001; ExAC 0.00001.
gnomAD v4.1: 2 of 1,614,042 alleles (0.00012%); highest among the groups gnomAD compares: African/African-American, 0.0013%; no homozygotes.

Submission:

PreventionGenetics, part of Exact Sciences
Classification: Uncertain significance for VPS13B-related condition. Last evaluated: 2023-04-19. Review status: criteria provided, single submitter. Criteria: ACMG Guidelines, 2015. Collection method: clinical testing. Allele origin: germline.
Comment: The VPS13B c.3727A>G variant is predicted to result in the amino acid substitution p.Arg1243Gly. To our knowledge, this variant has not been reported in the literature. This variant is reported in 0.00088% of alleles in individuals of European (Non-Finnish) descent in gnomAD. At this time, the clinical significance of this variant is uncertain due to the absence of conclusive functional and genetic evidence.